The following is an entry in ClinVar:

ClinVar aggregate classification (germline): Benign (1 of 4 stars; one submission).

Allele frequency attached by ClinVar (database versions not stated): gnomAD 0.16918; TOPMed 0.16985; 1000 Genomes Project 30x 0.17895; 1000 Genomes Project 0.18331; gnomAD exomes 0.20523.
gnomAD v4.1: 135,251 of 686,120 alleles (20%); highest among the groups gnomAD compares: East Asian, 29%; 14,527 homozygotes.

Submission:

Unidad de Genómica Garrahan, Hospital de Pediatría Garrahan
Classification: Benign. Last evaluated: 2024-01-24. Review status: criteria provided, single submitter. Criteria: ACMG Guidelines, 2015. Collection method: clinical testing. Allele origin: germline. Affected: no. Observed: 29 variant alleles.
Comment: This variant is classified as Benign based on local population frequency. This variant was detected in 31% of patients studied by a panel of primary immunodeficiencies. Number of patients: 29. Only high quality variants are reported.

NM_005565.5(LCP2):c.926+120C>T

Gene: LCP2 (lymphocyte cytosolic protein 2; minus strand). Cytogenetic location: 5q35.1.
Variant type: single nucleotide variant.
Coding change: c.926+120C>T on transcript NM_005565.5 (MANE Select); 120 bases into the intron after coding-DNA position 926, C replaced by T.
Molecular consequence: intron variant.
Genome position (GRCh38, 1-based): chr5:170,262,515, G>A on the plus strand (C>T on the coding strand, the complement: LCP2 is on the minus strand). VCF-style: chr5-170262515-G-A. GRCh37 (hg19) VCF-style: chr5-169689519-G-A.
Identifiers: ClinVar variation 2688247 (VCV002688247.2), dbSNP rs2338871, ClinGen allele CA11989024.